The following is an entry in ClinVar:

ClinVar aggregate classification (germline): Uncertain significance. Review status: criteria provided, multiple submitters, no conflicts (2 of 4 stars). 2 submissions from 2 submitters: Uncertain significance (2). Last evaluated 2022-04-12.

Allele frequency attached by ClinVar (database versions not stated): gnomAD exomes 0.00001; TOPMed 0.00001.
gnomAD v4.1: 10 of 1,613,834 alleles (0.00062%); highest among the groups gnomAD compares: Non-Finnish European, 0.00076%; no homozygotes.

Submissions (2):

Labcorp Genetics (formerly Invitae), Labcorp
Classification: Uncertain significance. Last evaluated: 2022-04-12. Review status: criteria provided, single submitter. Criteria: Invitae Variant Classification Sherloc (09022015). Collection method: clinical testing. Allele origin: germline.
Comment: This sequence change replaces proline, which is neutral and non-polar, with leucine, which is neutral and non-polar, at codon 2751 of the FAT4 protein (p.Pro2751Leu). This variant is present in population databases (no rsID available, gnomAD 0.003%). This variant has not been reported in the literature in individuals affected with FAT4-related conditions. ClinVar contains an entry for this variant (Variation ID: 1309874). Advanced modeling of protein sequence and biophysical properties (such as structural, functional, and spatial information, amino acid conservation, physicochemical variation, residue mobility, and thermodynamic stability) performed at Invitae indicates that this missense variant is not expected to disrupt FAT4 protein function. In summary, the available evidence is currently insufficient to determine the role of this variant in disease. Therefore, it has been classified as a Variant of Uncertain Significance.

GeneDx
Classification: Uncertain significance. Last evaluated: 2019-10-31. Review status: criteria provided, single submitter. Criteria: GeneDx Variant Classification Process June 2021. Collection method: clinical testing. Allele origin: germline. Affected: yes.
Comment: Not observed at a significant frequency in large population cohorts (Lek et al., 2016); In silico analysis, which includes protein predictors and evolutionary conservation, supports a deleterious effect; Has not been previously published as pathogenic or benign to our knowledge

NM_001291303.3(FAT4):c.8258C>T (p.Pro2753Leu)

Gene: FAT4 (FAT atypical cadherin 4; plus strand). Cytogenetic location: 4q28.1.
Variant type: single nucleotide variant.
Coding change: c.8258C>T on transcript NM_001291303.3 (MANE Select); coding-DNA position 8258, C replaced by T.
Protein change: p.Pro2753Leu; replaces proline 2753 with leucine.
Molecular consequence: missense variant.
Genome position (GRCh38, 1-based): chr4:125,449,268, C>T. VCF-style: chr4-125449268-C-T. GRCh37 (hg19) VCF-style: chr4-126370423-C-T.
Other names: c.8258C>T, p.Pro2753Leu (NM_001291285.3); c.8252C>T, p.Pro2751Leu (NM_024582.6); short protein forms P2751L, P2753L.
Identifiers: ClinVar variation 1309874 (VCV001309874.4), dbSNP rs1389714376, ClinGen allele CA358145653.